The following is an entry in ClinVar:

NM_001077653.2(TBX20):c.906C>A (p.Ser302Arg)

Gene: TBX20 (T-box transcription factor 20; minus strand). Cytogenetic location: 7p14.2.
Variant type: single nucleotide variant.
Coding change: c.906C>A on transcript NM_001077653.2 (MANE Select); coding-DNA position 906, C replaced by A.
Protein change: p.Ser302Arg; replaces serine 302 with arginine.
Molecular consequence: missense variant.
Genome position (GRCh38, 1-based): chr7:35,204,567, G>T on the plus strand (C>A on the coding strand, the complement: TBX20 is on the minus strand). VCF-style: chr7-35204567-G-T. GRCh37 (hg19) VCF-style: chr7-35244179-G-T.
Other names: short protein forms S302R.
Identifiers: ClinVar variation 3659851 (VCV003659851.2).

ClinVar aggregate classification (germline): Uncertain significance (1 of 4 stars; one submission).

Submission:

Labcorp Genetics (formerly Invitae), Labcorp
Classification: Uncertain significance. Last evaluated: 2024-07-24. Review status: criteria provided, single submitter. Criteria: Invitae Variant Classification Sherloc (09022015). Collection method: clinical testing. Allele origin: germline.
Comment: This sequence change replaces serine, which is neutral and polar, with arginine, which is basic and polar, at codon 302 of the TBX20 protein (p.Ser302Arg). This variant is not present in population databases (gnomAD no frequency). This variant has not been reported in the literature in individuals affected with TBX20-related conditions. Advanced modeling of protein sequence and biophysical properties (such as structural, functional, and spatial information, amino acid conservation, physicochemical variation, residue mobility, and thermodynamic stability) performed at Invitae indicates that this missense variant is not expected to disrupt TBX20 protein function with a negative predictive value of 80%. In summary, the available evidence is currently insufficient to determine the role of this variant in disease. Therefore, it has been classified as a Variant of Uncertain Significance.